The following is an entry in ClinVar:

ClinVar aggregate classification (germline): Uncertain significance (1 of 4 stars; one submission).

Conditions:
Inborn genetic diseases. Identifiers: MedGen C0950123, MeSH D030342.

Allele frequency attached by ClinVar (database versions not stated): gnomAD 0.00001; gnomAD exomes 0.00001; ExAC 0.00002; TOPMed 0.00002.

Submission:

Ambry Genetics
Classification: Uncertain significance for Inborn genetic diseases. Last evaluated: 2023-10-10. Review status: criteria provided, single submitter. Criteria: Ambry Variant Classification Scheme 2023. Collection method: clinical testing. Allele origin: germline.
Comment: The c.1662+3_1662+5delAAG alteration is located in Intron 8 (E) of the KCNH1 gene. This alteration consists of a deletion of 3 nucleotides at nucleotide position c.16623 Intron 8 (E). Based on insufficient or conflicting evidence, the clinical significance of this alteration remains unclear.

NM_172362.3(KCNH1):c.1662+3_1662+5del

Gene: KCNH1 (potassium voltage-gated channel subfamily H member 1; minus strand). Cytogenetic location: 1q32.2.
Variant type: Deletion.
Coding change: c.1662+3_1662+5del on transcript NM_172362.3 (MANE Select); bases 3 to 5 of the intron after coding-DNA position 1662, 3 bases deleted (AAG; older notation c.1662+3_1662+5delAAG).
Molecular consequence: intron variant.
Genome position (GRCh38, 1-based): chr1:210,803,962-210,803,964, CTT deleted on the plus strand (AAG on the coding strand, the reverse complement: KCNH1 is on the minus strand). VCF-style (leftmost placement, unchanged base first): chr1-210803961-CCTT-C. GRCh37 (hg19) VCF-style: chr1-210977303-CCTT-C.
Other names: c.1581+3_1581+5del (NM_002238.4).
Identifiers: ClinVar variation 3113201 (VCV003113201.1), dbSNP rs754574329, ClinGen allele CA1379855.